The following is an entry in ClinVar:

ClinVar aggregate classification (germline): Uncertain significance. Review status: criteria provided, multiple submitters, no conflicts (2 of 4 stars). 4 submissions from 4 submitters: Uncertain significance (4). Last evaluated 2024-06-30.

Conditions:
Lynch syndrome. Identifiers: Orphanet 144, MedGen C4552100, MONDO:0005835. Disease mechanism: loss of function.
Hereditary cancer-predisposing syndrome. Also called: Hereditary Cancer Syndrome; Tumor predisposition; Neoplastic Syndromes, Hereditary; Hereditary neoplastic syndrome. Identifiers: Orphanet 140162, MedGen C0027672, MeSH D009386, MONDO:0015356.
Hereditary nonpolyposis colorectal neoplasms. Identifiers: MedGen C0009405, MeSH D003123.

Allele frequency attached by ClinVar (database versions not stated): ExAC 0.00001; gnomAD 0.00002.
gnomAD v4.1: 9 of 1,614,020 alleles (0.00056%); no homozygotes.

Submissions (4):

Ambry Genetics
Classification: Uncertain significance for Hereditary cancer-predisposing syndrome. Last evaluated: 2024-06-30. Review status: criteria provided, single submitter. Criteria: Ambry Variant Classification Scheme 2023. Collection method: clinical testing. Allele origin: germline.
Comment: The p.K1233T variant (also known as c.3698A>C), located in coding exon 8 of the MSH6 gene, results from an A to C substitution at nucleotide position 3698. The lysine at codon 1233 is replaced by threonine, an amino acid with similar properties. This amino acid position is conserved. In addition, the in silico prediction for this alteration is inconclusive. Based on the available evidence, the clinical significance of this variant remains unclear.

Blueprint Genetics
Classification: Uncertain significance. Last evaluated: 2023-04-13. Review status: criteria provided, single submitter. Criteria: ACMG Guidelines, 2015. Collection method: clinical testing. Allele origin: germline.

Department of Pathology and Laboratory Medicine, Sinai Health System
Classification: Uncertain significance for Lynch syndrome. Last evaluated: 2022-10-18. Review status: criteria provided, single submitter. Criteria: ACMG Guidelines, 2015. Collection method: clinical testing. Allele origin: germline. Affected: yes.

Labcorp Genetics (formerly Invitae), Labcorp
Classification: Uncertain significance for Hereditary nonpolyposis colorectal neoplasms. Last evaluated: 2019-09-30. Review status: criteria provided, single submitter. Criteria: Invitae Variant Classification Sherloc (09022015). Collection method: clinical testing. Allele origin: germline.
Comment: In summary, the available evidence is currently insufficient to determine the role of this variant in disease. Therefore, it has been classified as a Variant of Uncertain Significance. Algorithms developed to predict the effect of missense changes on protein structure and function are either unavailable or do not agree on the potential impact of this missense change (SIFT: "Tolerated"; PolyPhen-2: "Possibly Damaging"; Align-GVGD: "Class C0"). This variant has not been reported in the literature in individuals with MSH6-related conditions. This variant is present in population databases (rs766557450, ExAC no frequency). This sequence change replaces lysine with threonine at codon 1233 of the MSH6 protein (p.Lys1233Thr). The lysine residue is moderately conserved and there is a moderate physicochemical difference between lysine and threonine.

NM_000179.3(MSH6):c.3698A>C (p.Lys1233Thr)

Gene: MSH6 (mutS homolog 6; plus strand). Cytogenetic location: 2p16.3.
Variant type: single nucleotide variant.
Coding change: c.3698A>C on transcript NM_000179.3 (MANE Select); coding-DNA position 3698, A replaced by C.
Protein change: p.Lys1233Thr; replaces lysine 1233 with threonine.
Molecular consequence: missense variant.
Genome position (GRCh38, 1-based): chr2:47,806,255, A>C. VCF-style: chr2-47806255-A-C. GRCh37 (hg19) VCF-style: chr2-48033394-A-C.
Other names: c.3308A>C, p.Lys1103Thr (NM_001281492.2); c.2792A>C, p.Lys931Thr (NM_001281493.2, NM_001281494.2); short protein forms K1233T, K1103T, K931T.
Identifiers: ClinVar variation 969540 (VCV000969540.13), dbSNP rs766557450, ClinGen allele CA071876.
Genomic context (GRCh38, chr2:47,806,255, plus strand): 5'-CTTTAACAGGAAGAGGTACTGCAACATTTGATGGGACGGCAATAGCAAATGCAGTTGTTA[A>C]AGAACTTGCTGAGACTATAAAATGTCGTACATTATTTTCAACTCACTACCATTCATTAGT-3'
Protein context (NP_000170.1, residues 1223-1243): DGTAIANAVV[Lys1233Thr]ELAETIKCRT